The following is an entry in ClinVar:

NM_000051.4(ATM):c.5876A>G (p.Glu1959Gly)

Genes: ATM (ATM serine/threonine kinase; plus strand), C11orf65 (chromosome 11 open reading frame 65; minus strand). Cytogenetic location: 11q22.3.
Variant type: single nucleotide variant.
Coding change: c.5876A>G on transcript NM_000051.4 (MANE Select); coding-DNA position 5876, A replaced by G.
Protein change: p.Glu1959Gly; replaces glutamic acid 1959 with glycine.
Molecular consequence: missense variant. On other transcripts: intron variant (2).
Genome position (GRCh38, 1-based): chr11:108,310,273, A>G. VCF-style: chr11-108310273-A-G. GRCh37 (hg19) VCF-style: chr11-108181000-A-G.
Other names: c.5876A>G, p.Glu1959Gly (NM_001351834.2); c.641-1202T>C (NM_001330368.2); c.*39-1202T>C (NM_001351110.2); short protein forms E1959G.
Identifiers: ClinVar variation 233603 (VCV000233603.15), dbSNP rs876660515, ClinGen allele CA10579201.

ClinVar aggregate classification (germline): Uncertain significance. Review status: criteria provided, multiple submitters, no conflicts (2 of 4 stars). 4 submissions from 4 submitters: Uncertain significance (4). Last evaluated 2025-05-19.

Conditions:
Hereditary cancer-predisposing syndrome. Also called: Neoplastic Syndromes, Hereditary; Hereditary neoplastic syndrome; Tumor predisposition; Hereditary Cancer Syndrome. Identifiers: Orphanet 140162, MedGen C0027672, MeSH D009386, MONDO:0015356.
Ataxia-telangiectasia syndrome (AT). Also called: Ataxia telangiectasia (A-T); Cerebello-oculocutaneous telangiectasia; Immunodeficiency with ataxia telangiectasia; LOUIS-BAR SYNDROME; AT, COMPLEMENTATION GROUP C; ATAXIA-TELANGIECTASIA, FRESNO VARIANT. Identifiers: Orphanet 100, MedGen C0004135, MONDO:0008840, OMIM 208900.
Familial cancer of breast. Also called: hereditary breast carcinoma; Hereditary breast cancer; BREAST CANCER, FAMILIAL. Identifiers: Orphanet 227535, MedGen C0346153, MONDO:0016419, OMIM 114480. Disease mechanism: loss of function.

Submissions (4):

Ambry Genetics
Classification: Uncertain significance for Hereditary cancer-predisposing syndrome. Last evaluated: 2025-05-19. Review status: criteria provided, single submitter. Criteria: Ambry Variant Classification Scheme 2023. Collection method: clinical testing. Allele origin: germline.
Comment: The p.E1959G variant (also known as c.5876A>G), located in coding exon 38 of the ATM gene, results from an A to G substitution at nucleotide position 5876. The glutamic acid at codon 1959 is replaced by glycine, an amino acid with similar properties. This variant was not reported in population based cohorts in the following databases: Database of Single Nucleotide Polymorphisms (dbSNP), NHLBI Exome Sequencing Project (ESP), and 1000 Genomes Project. In the ESP, this variant was not observed in 6498 samples (12996 alleles) with coverage at this position. To date, this alteration has been detected with an allele frequency of approximately 0.001% (greater than 180000 alleles tested) in our clinical cohort. This amino acid position is highly conserved in available vertebrate species. In addition, the in silico prediction for this alteration is inconclusive. Since supporting evidence is limited at this time, the clinical significance of this variant remains unclear.

Color Diagnostics, LLC DBA Color Health
Classification: Uncertain significance for Hereditary cancer-predisposing syndrome. Last evaluated: 2025-03-17. Review status: criteria provided, single submitter. Criteria: ACMG Guidelines, 2015. Collection method: clinical testing. Allele origin: germline.
Comment: This missense variant replaces glutamic acid with glycine at codon 1959 of the ATM protein. Computational prediction suggests that this variant may have deleterious impact on protein structure and function. To our knowledge, functional studies have not been reported for this variant. In a large international case-control meta-analysis, this variant was reported in 1/60465 breast cancer cases and absent in 53461 controls (PMID: 33471991). This variant has not been identified in the general population by the Genome Aggregation Database (gnomAD). The available evidence is insufficient to determine the role of this variant in disease conclusively. Therefore, this variant is classified as a Variant of Uncertain Significance.

Labcorp Genetics (formerly Invitae), Labcorp
Classification: Uncertain significance for Ataxia-telangiectasia syndrome. Last evaluated: 2024-08-06. Review status: criteria provided, single submitter. Criteria: Invitae Variant Classification Sherloc (09022015). Collection method: clinical testing. Allele origin: germline.
Comment: This sequence change replaces glutamic acid, which is acidic and polar, with glycine, which is neutral and non-polar, at codon 1959 of the ATM protein (p.Glu1959Gly). This variant is not present in population databases (gnomAD no frequency). This variant has not been reported in the literature in individuals affected with ATM-related conditions. ClinVar contains an entry for this variant (Variation ID: 233603). An algorithm developed to predict the effect of missense changes on protein structure and function (PolyPhen-2) suggests that this variant is likely to be disruptive. In summary, the available evidence is currently insufficient to determine the role of this variant in disease. Therefore, it has been classified as a Variant of Uncertain Significance.

St. Jude Molecular Pathology, St. Jude Children's Research Hospital
Classification: Uncertain significance for Familial cancer of breast. Last evaluated: 2023-03-06. Review status: criteria provided, single submitter. Criteria: St. Jude Assertion Criteria 2020. Collection method: clinical testing. Allele origin: germline.
Comment: The ATM c.5876A>G (p.Glu1959Gly) missense change is absent in gnomAD v2.1.1. The in silico tool REVEL predicts a deleterious effect on protein function, but to our knowledge this prediction has not been confirmed by functional studies. This variant is absent in a database of women older than 70 years of age who have never had cancer (FLOSSIES database). To our knowledge, this variant has not been reported in individuals with ataxia telangiectasia. In summary, the evidence currently available is insufficient to determine the clinical significance of this variant. It has therefore been classified as of uncertain significance.

Literature cited by the submitters: PubMed 33471991 (cited by Color Diagnostics, LLC DBA Color Health).